The following is an entry in ClinVar:

NM_001127208.3(TET2):c.95C>T (p.Thr32Ile)

Genes: TET2 (tet methylcytosine dioxygenase 2; plus strand), TET2-AS1 (TET2 antisense RNA 1; minus strand). Cytogenetic location: 4q24.
Variant type: single nucleotide variant.
Coding change: c.95C>T on transcript NM_001127208.3 (MANE Select); coding-DNA position 95, C replaced by T.
Protein change: p.Thr32Ile; replaces threonine 32 with isoleucine.
Molecular consequence: missense variant.
Genome position (GRCh38, 1-based): chr4:105,234,037, C>T. VCF-style: chr4-105234037-C-T. GRCh37 (hg19) VCF-style: chr4-106155194-C-T.
Other names: c.95C>T, p.Thr32Ile (NM_017628.4); short protein forms T32I.
Identifiers: ClinVar variation 1700440 (VCV001700440.2), dbSNP rs150238743, ClinGen allele CA3031442.
Genomic context (GRCh38, chr4:105,234,037, plus strand): 5'-ACAGACTAAGTCCATTCCTGATACCATCACCTCCCATTTGCCAGACAGAACCTCTGGCTA[C>T]AAAGCTCCAGAATGGAAGCCCACTGCCTGAGAGAGCTCATCCAGAAGTAAATGGAGACAC-3'
Protein context (NP_001120680.1, residues 22-42): PPICQTEPLA[Thr32Ile]KLQNGSPLPE

ClinVar aggregate classification (germline): Uncertain significance (1 of 4 stars; one submission).

Allele frequency attached by ClinVar (database versions not stated): ExAC 0.00001; gnomAD exomes 0.00001; gnomAD 0.00003 and 0.00004; TOPMed 0.00006; ESP Exome Variant Server 0.00008.
gnomAD v4.1: 17 of 1,613,926 alleles (0.0011%); highest among the groups gnomAD compares: African/African-American, 0.017%; no homozygotes.

Submission:

GeneDx
Classification: Uncertain significance. Last evaluated: 2022-01-25. Review status: criteria provided, single submitter. Criteria: GeneDx Variant Classification Process June 2021. Collection method: clinical testing. Allele origin: germline. Affected: yes.
Comment: In silico analysis supports that this missense variant does not alter protein structure/function; Has not been previously published as pathogenic or benign to our knowledge